The following is an entry in ClinVar:

ClinVar aggregate classification (germline): Uncertain significance. Review status: criteria provided, multiple submitters, no conflicts (2 of 4 stars). 2 submissions from 2 submitters: Uncertain significance (2). Last evaluated 2022-11-10.

Conditions:
Marfan syndrome (MFS). Also called: Marfan syndrome type 1; Marfan's syndrome; FBN1-Related Marfan Syndrome; MARFAN SYNDROME, TYPE I; Marfan syndrome, classic. Identifiers: Orphanet 284963, Orphanet 558, MedGen C0024796, MONDO:0007947, OMIM 154700.
Familial thoracic aortic aneurysm and aortic dissection (TAAD). Also called: Thoracic aortic aneurysms and dissections. Identifiers: Orphanet 91387, MedGen C4707243, MONDO:0019625.

Submissions (2):

GeneDx
Classification: Uncertain significance. Last evaluated: 2022-11-10. Review status: criteria provided, single submitter. Criteria: GeneDx Variant Classification Process June 2021. Collection method: clinical testing. Allele origin: germline. Affected: yes.
Comment: Previously identified in a patient who did not meet Ghent criteria for Marfan syndrome (Haines et al., 2015); Not observed at significant frequency in large population cohorts (gnomAD); In silico analysis supports that this missense variant has a deleterious effect on protein structure/function; Does not affect a cysteine residue within a calcium-binding EGF-like domain or a TGF-binding protein domain of the FBN1 gene; cysteine substitutions in the calcium-binding EGF-like domains represent the majority of pathogenic missense changes associated with FBN1-related disorders (Collod-Beroud et al., 2003); This variant is associated with the following publications: (PMID: 25656438)

Labcorp Genetics (formerly Invitae), Labcorp
Classification: Uncertain significance for Marfan syndrome; Familial thoracic aortic aneurysm and aortic dissection. Last evaluated: 2021-03-22. Review status: criteria provided, single submitter. Criteria: Invitae Variant Classification Sherloc (09022015). Collection method: clinical testing. Allele origin: germline.
Comment: In summary, the available evidence is currently insufficient to determine the role of this variant in disease. Therefore, it has been classified as a Variant of Uncertain Significance. Advanced modeling of protein sequence and biophysical properties (such as structural, functional, and spatial information, amino acid conservation, physicochemical variation, residue mobility, and thermodynamic stability) performed at Invitae indicates that this missense variant is expected to disrupt FBN1 protein function. This variant has been observed in individual(s) with Marfan syndrome (PMID: 25656438). This variant is not present in population databases (ExAC no frequency). This sequence change replaces serine with phenylalanine at codon 983 of the FBN1 protein (p.Ser983Phe). The serine residue is highly conserved and there is a large physicochemical difference between serine and phenylalanine.

Literature cited by the submitters: PubMed 25656438 (cited by Labcorp Genetics (formerly Invitae), Labcorp).

NM_000138.5(FBN1):c.2948C>T (p.Ser983Phe)

Gene: FBN1 (fibrillin 1; minus strand). Cytogenetic location: 15q21.1.
Variant type: single nucleotide variant.
Coding change: c.2948C>T on transcript NM_000138.5 (MANE Select); coding-DNA position 2948, C replaced by T.
Protein change: p.Ser983Phe; replaces serine 983 with phenylalanine.
Molecular consequence: missense variant.
Genome position (GRCh38, 1-based): chr15:48,489,985, G>A on the plus strand (C>T on the coding strand, the complement: FBN1 is on the minus strand). VCF-style: chr15-48489985-G-A. GRCh37 (hg19) VCF-style: chr15-48782182-G-A.
Other names: short protein forms S983F.
Identifiers: ClinVar variation 1303260 (VCV001303260.10), dbSNP rs2141297315, ClinGen allele CA392329537.